The following is an entry in ClinVar:

NM_020923.3(ZDBF2):c.1270A>C (p.Ser424Arg)

Gene: ZDBF2 (zinc finger DBF-type containing 2; plus strand). Cytogenetic location: 2q33.3.
Variant type: single nucleotide variant.
Coding change: c.1270A>C on transcript NM_020923.3 (MANE Select); coding-DNA position 1270, A replaced by C.
Protein change: p.Ser424Arg; replaces serine 424 with arginine.
Molecular consequence: missense variant.
Genome position (GRCh38, 1-based): chr2:206,305,798, A>C. VCF-style: chr2-206305798-A-C. GRCh37 (hg19) VCF-style: chr2-207170522-A-C.
Other names: c.1270A>C (NM_020923.1); c.1264A>C, p.Ser422Arg (NM_001285549.2); c.1270A>C, p.Ser424Arg (NM_001369654.1); short protein forms S424R, S422R.
Identifiers: ClinVar variation 3648317 (VCV003648317.3).

ClinVar aggregate classification (germline): Uncertain significance. Review status: criteria provided, multiple submitters, no conflicts (2 of 4 stars). 2 submissions from 2 submitters: Uncertain significance (2). Last evaluated 2025-08-23.

gnomAD v4.1: 288 of 1,613,730 alleles (0.018%); highest among the groups gnomAD compares: Non-Finnish European, 0.023%; no homozygotes.

Submissions (2):

Ambry Genetics
Classification: Uncertain significance. Last evaluated: 2025-08-23. Review status: criteria provided, single submitter. Criteria: Ambry Variant Classification Scheme 2023. Collection method: clinical testing. Allele origin: germline.

Labcorp Genetics (formerly Invitae), Labcorp
Classification: Uncertain significance. Last evaluated: 2024-11-10. Review status: criteria provided, single submitter. Criteria: Invitae Variant Classification Sherloc (09022015). Collection method: clinical testing. Allele origin: germline.
Comment: This sequence change replaces serine, which is neutral and polar, with arginine, which is basic and polar, at codon 424 of the ZDBF2 protein (p.Ser424Arg). This variant is present in population databases (rs367590586, gnomAD 0.02%). This variant has not been reported in the literature in individuals affected with ZDBF2-related conditions. An algorithm developed to predict the effect of missense changes on protein structure and function (PolyPhen-2) suggests that this variant is likely to be tolerated. In summary, the available evidence is currently insufficient to determine the role of this variant in disease. Therefore, it has been classified as a Variant of Uncertain Significance.